The following is an entry in ClinVar:

ClinVar aggregate classification (germline): Uncertain significance (1 of 4 stars; one submission).

Submission:

GeneDx
Classification: Uncertain significance. Last evaluated: 2012-05-29. Review status: criteria provided, single submitter. Criteria: GeneDx Variant Classification (06012015). Collection method: clinical testing. Allele origin: germline. Affected: yes.
Comment: The Arg6Cys variant in the SNTA1 gene has not been published previously as a disease-causing mutation or as a benign polymorphism, to our knowledge. Arg6Cys results in a semi-conservative amino acid subsitution of a positively charged Arginine residue with a neutral, polar Cysteine residue at a position that is not well conserved across species. No other mutations in surrounding residues have been reported in association with LQTS, indicating this region of the protein may be tolerant of change.In summary, the clinical significance of the Arg6Cys variant in the SNTA1 gene is currently unknown. The pathogenic role of this variant would be supported if it occurred de novo in an individual, or if it co-segregates with a LQTS phenotype in a family. The variant is found in LQT panel(s).

NM_003098.3(SNTA1):c.16C>T (p.Arg6Cys)

Genes: SNTA1 (syntrophin alpha 1; minus strand), LOC130065680 (ATAC-STARR-seq lymphoblastoid silent region 12812; plus strand). Cytogenetic location: 20q11.21.
Variant type: single nucleotide variant.
Coding change: c.16C>T on transcript NM_003098.3 (MANE Select); coding-DNA position 16, C replaced by T.
Protein change: p.Arg6Cys; replaces arginine 6 with cysteine.
Molecular consequence: missense variant.
Genome position (GRCh38, 1-based): chr20:33,443,605, G>A on the plus strand (C>T on the coding strand, the complement: SNTA1 is on the minus strand). VCF-style: chr20-33443605-G-A. GRCh37 (hg19) VCF-style: chr20-32031411-G-A.
Other names: p.R6C:CGC>TGC; short protein forms R6C.
Identifiers: ClinVar variation 190931 (VCV000190931.2), dbSNP rs786205845, ClinGen allele CA302318.